The following is an entry in ClinVar:

ClinVar aggregate classification (germline): Conflicting classifications of pathogenicity. Review status: criteria provided, conflicting classifications (1 of 4 stars). 4 submissions from 4 submitters: Pathogenic (2); Likely pathogenic (1); Uncertain significance (1). Last evaluated 2025-07-15.

Conditions:
Glycogen storage disease, type IV (GSD4). Also called: Glycogen storage disease due to glycogen branching enzyme deficiency; AMYLOPECTINOSIS; ANDERSEN DISEASE; BRANCHER DEFICIENCY; CIRRHOSIS, FAMILIAL, WITH DEPOSITION OF ABNORMAL GLYCOGEN; GBE1 DEFICIENCY. Identifiers: Orphanet 367, MedGen C0017923, MONDO:0009292, OMIM 232500.
Glycogen storage disease IV, classic hepatic. Also called: GSD IV, CLASSIC HEPATIC. Identifiers: MedGen C1856301.

Submissions (4):

Myriad Genetics, Inc.
Classification: Pathogenic for Glycogen storage disease, type IV. Last evaluated: 2025-07-15. Review status: criteria provided, single submitter. Criteria: Myriad Autosomal Dominant, Autosomal Recessive and X-Linked Classification Criteria (2023). Collection method: clinical testing. Allele origin: unknown.
Comment: NM_000158.3(GBE1):c.1706delT(L569*) is a nonsense variant classified as pathogenic in the context of glycogen storage disease, GBE1-related. L569* has not been observed in cases with relevant disease. Relevant functional assessments of this variant are not available in the literature. L569* has been observed in referenced population frequency databases. In summary, NM_000158.3(GBE1):c.1706delT(L569*) is a nonsense variant in a gene where loss of function is a known mechanism of disease and is predicted to disrupt protein function. Please note: this variant was assessed in the context of healthy population screening.

Baylor Genetics
Classification: Likely pathogenic for Glycogen storage disease, type IV. Last evaluated: 2023-06-08. Review status: criteria provided, single submitter. Criteria: ACMG Guidelines, 2015. Collection method: clinical testing. Allele origin: unknown.

Broad Center for Mendelian Genomics, Broad Institute of MIT and Harvard
Classification: Uncertain significance for Glycogen storage disease, type IV. Last evaluated: 2022-01-27. Review status: criteria provided, single submitter. Criteria: ACMG Guidelines, 2015. Collection method: curation. Allele origin: germline. Inheritance: Autosomal recessive inheritance.
Comment: The p.Leu569Ter variant in GBE1 has not been previously reported in the literature in individuals with GBE1-related disorders but has been identified in 0.003% (1/29820) of Latino/Admixed American chromosomes by the Genome Aggregation Database (gnomAD; dbSNP ID: rs1367364158). Although this variant has been seen in the general population in a heterozygous state, its frequency is low enough to be consistent with a recessive carrier frequency. This variant has also been reported in ClinVar (Variation ID#: 1074514) and has been interpreted as pathogenic by Invitae. This nonsense variant leads to a premature termination codon at position 569, which is predicted to lead to a truncated or absent protein. Loss of function of the GBE1 gene is an established disease mechanism in autosomal recessive GBE1-related disorders. In summary, while there is some suspicion for a pathogenic role, the clinical significance of this variant is uncertain. ACMG/AMP Criteria applied: PVS1, PM2_supporting (Richards 2015).

Labcorp Genetics (formerly Invitae), Labcorp
Classification: Pathogenic for Glycogen storage disease, type IV; Glycogen storage disease IV, classic hepatic. Last evaluated: 2020-02-27. Review status: criteria provided, single submitter. Criteria: Invitae Variant Classification Sherloc (09022015). Collection method: clinical testing. Allele origin: germline.
Comment: This sequence change creates a premature translational stop signal (p.Leu569*) in the GBE1 gene. It is expected to result in an absent or disrupted protein product. This variant is not present in population databases (ExAC no frequency). For these reasons, this variant has been classified as Pathogenic. Loss-of-function variants in GBE1 are known to be pathogenic (PMID: 15452297, 20058079). This variant has not been reported in the literature in individuals with GBE1-related conditions.

Literature cited by the submitters: PubMed 15452297 (cited by Labcorp Genetics (formerly Invitae), Labcorp); PubMed 20058079 (cited by Labcorp Genetics (formerly Invitae), Labcorp).

NM_000158.4(GBE1):c.1706del (p.His568_Leu569insTer)

Gene: GBE1 (1,4-alpha-glucan branching enzyme 1; minus strand). Cytogenetic location: 3p12.2.
Variant type: Deletion.
Coding change: c.1706del on transcript NM_000158.4 (MANE Select); coding-DNA position 1706, one base deleted (T; older notation c.1706delT).
Protein change: p.His568_Leu569insTer.
Molecular consequence: nonsense.
Genome position (GRCh38, 1-based): chr3:81,537,008, A deleted on the plus strand (T on the coding strand, the reverse complement: GBE1 is on the minus strand); the first of 3 consecutive A bases (chr3:81,537,008-81,537,010); deleting any one gives the same sequence. VCF-style (leftmost placement, unchanged base first): chr3-81537007-TA-T. GRCh37 (hg19) VCF-style: chr3-81586158-TA-T.
Other names: NM_000158.4(GBE1):c.1706del; p.His568_Leu569insTer.
Identifiers: ClinVar variation 1074514 (VCV001074514.8), dbSNP rs1367364158, ClinGen allele CA544502692.
Genomic context (GRCh38, chr3:81,537,007, plus strand): 5'-TCTATTCATATCCCTGTCAAAATTATTTAGGAACTTGTAGCGAAGAAGGTCGTCGTCAGT[TA>T]AATGAAACTGCCGCCTGGCATAATGGTAACTCTCATTATTTCCTTTTCTTGGGAAGTCTA-3'